The following is an entry in ClinVar:

ClinVar aggregate classification (germline): Likely benign (1 of 4 stars; one submission).

Allele frequency attached by ClinVar (database versions not stated): TOPMed 0.00001; ExAC 0.00002; gnomAD 0.00003; 1000 Genomes Project 30x 0.00016; 1000 Genomes Project 0.00020.
gnomAD v4.1: 48 of 1,612,770 alleles (0.003%); highest among the groups gnomAD compares: East Asian, 0.0045%; no homozygotes.

Submission:

CeGaT Center for Human Genetics Tuebingen
Classification: Likely benign. Last evaluated: 2024-07-01. Review status: criteria provided, single submitter. Criteria: CeGaT Center For Human Genetics Tuebingen Variant Classification Criteria Version 2. Collection method: clinical testing. Allele origin: germline. Affected: yes. Observed: 1 variant allele.
Comment: MAPK8IP3: BP4, BP7

NM_001318852.2(MAPK8IP3):c.3375C>T (p.Asp1125=)

Gene: MAPK8IP3 (mitogen-activated protein kinase 8 interacting protein 3; plus strand). Cytogenetic location: 16p13.3.
Variant type: single nucleotide variant.
Coding change: c.3375C>T on transcript NM_001318852.2 (MANE Select); coding-DNA position 3375, C replaced by T.
Protein change: p.Asp1125=; no amino-acid change (aspartic acid 1125 retained).
Molecular consequence: synonymous variant.
Genome position (GRCh38, 1-based): chr16:1,767,701, C>T. VCF-style: chr16-1767701-C-T. GRCh37 (hg19) VCF-style: chr16-1817702-C-T.
Other names: c.3354C>T, p.Asp1118= (NM_001040439.2); c.3372C>T, p.Asp1124= (NM_015133.5, NM_033392.3).
Identifiers: ClinVar variation 3250752 (VCV003250752.18), dbSNP rs190316360.
Genomic context (GRCh38, chr16:1,767,701, plus strand): 5'-CATCCGCCTGGACTCCACCCTGAGGCTCTACCATGCACACACGCACCAGCATCTACAGGA[C>T]GTGGACATTGAGCCCTACGTCAGCAAGATGCTAGGTGAGGGGCCACGCCAGATGGGGTGG-3'
Protein context (NP_001305781.1, residues 1115-1135): YHAHTHQHLQ[Asp1125=]VDIEPYVSKM